The following is an entry in ClinVar:

ClinVar aggregate classification (germline): Benign. Review status: criteria provided, multiple submitters, no conflicts (2 of 4 stars). 3 submissions from 3 submitters: Benign (3). Last evaluated 2026-01-26.

Conditions:
Muscular dystrophy-dystroglycanopathy (congenital with brain and eye anomalies), type a, 11 (MDDGA11). Also called: WALKER-WARBURG SYNDROME OR MUSCLE-EYE-BRAIN DISEASE, B3GALNT2-RELATED; Muscular dystrophy-dystroglycanopathy (congenital with brain and eye anomalies, type A, 11; Congenital muscular dystrophy-dystroglycanopathy with brain and eye anomalies, type A11. Identifiers: Orphanet 588, Orphanet 899, MedGen C3554638, MONDO:0014071, OMIM 615181.

Allele frequency attached by ClinVar (database versions not stated): ESP Exome Variant Server 0.00046; gnomAD 0.00155 and 0.00158; 1000 Genomes Project 0.00240; TOPMed 0.00247; 1000 Genomes Project 30x 0.00265; ExAC 0.00309.

Submissions (3):

Labcorp Genetics (formerly Invitae), Labcorp
Classification: Benign for Muscular dystrophy-dystroglycanopathy (congenital with brain and eye anomalies), type a, 11. Last evaluated: 2026-01-26. Review status: criteria provided, single submitter. Criteria: Invitae Variant Classification Sherloc (09022015). Collection method: clinical testing. Allele origin: germline.

GeneDx
Classification: Benign. Last evaluated: 2016-09-30. Review status: criteria provided, single submitter. Criteria: GeneDx Variant Classification (06012015). Collection method: clinical testing. Allele origin: germline. Affected: yes.
Comment: This variant is considered likely benign or benign based on one or more of the following criteria: it is a conservative change, it occurs at a poorly conserved position in the protein, it is predicted to be benign by multiple in silico algorithms, and/or has population frequency not consistent with disease.

Breakthrough Genomics
Classification: Benign. Review status: criteria provided, single submitter. Criteria: ACMG Guidelines, 2015. Collection method: not provided. Allele origin: germline. Inheritance: Autosomal recessive inheritance. Affected: yes.

NM_152490.5(B3GALNT2):c.361+19T>C

Gene: B3GALNT2 (beta-1,3-N-acetylgalactosaminyltransferase 2; minus strand). Cytogenetic location: 1q42.3.
Variant type: single nucleotide variant.
Coding change: c.361+19T>C on transcript NM_152490.5 (MANE Select); 19 bases into the intron after coding-DNA position 361, T replaced by C.
Molecular consequence: intron variant.
Genome position (GRCh38, 1-based): chr1:235,489,149, A>G on the plus strand (T>C on the coding strand, the complement: B3GALNT2 is on the minus strand). VCF-style: chr1-235489149-A-G. GRCh37 (hg19) VCF-style: chr1-235652454-A-G.
Other names: c.484+19T>C (NM_001277155.3).
Identifiers: ClinVar variation 388035 (VCV000388035.9), dbSNP rs190977329, ClinGen allele CA1464938.
Genomic context (GRCh38, chr1:235,489,149, plus strand): 5'-AGACTCCATACTATTAAGCTTAGCAACTTTTACTCAACATCAAGCTTGTGTATGGCAGTC[A>G]AGGGAAAAGATGACTTACCTGGATTTGTGATGTTGAGTAGTTTACAGGAATAAGGATCCT-3'